The following is an entry in ClinVar:

NM_182643.3(DLC1):c.1826C>T (p.Pro609Leu)

Gene: DLC1 (DLC1 Rho GTPase activating protein; minus strand). Cytogenetic location: 8p22.
Variant type: single nucleotide variant.
Coding change: c.1826C>T on transcript NM_182643.3 (MANE Select); coding-DNA position 1826, C replaced by T.
Protein change: p.Pro609Leu; replaces proline 609 with leucine.
Molecular consequence: missense variant.
Genome position (GRCh38, 1-based): chr8:13,100,511, G>A on the plus strand (C>T on the coding strand, the complement: DLC1 is on the minus strand). VCF-style: chr8-13100511-G-A. GRCh37 (hg19) VCF-style: chr8-12958020-G-A.
Other names: c.1826C>T (NM_182643.2); c.293C>T, p.Pro98Leu (NM_001164271.2, NM_001348082.2, NM_001348083.1 and 6 more transcripts); c.617C>T, p.Pro206Leu (NM_001316668.2, NM_001413129.1); c.1826C>T, p.Pro609Leu (NM_001348081.2, NM_001413124.1); c.608C>T, p.Pro203Leu (NM_001413130.1); c.266C>T, p.Pro89Leu (NM_001413131.1, NM_001413137.1); c.752C>T, p.Pro251Leu (NM_001413132.1); c.515C>T, p.Pro172Leu (NM_001413135.1, NM_001413136.1, NM_001413139.1 and 1 more transcripts); and 1 more; short protein forms P172L, P206L, P217L, P203L, P251L, P89L, P98L, P609L.
Identifiers: ClinVar variation 2164076 (VCV002164076.6), dbSNP rs371098007, ClinGen allele CA4638792.

ClinVar aggregate classification (germline): Benign. Review status: criteria provided, single submitter (1 of 4 stars). 2 submissions from 2 submitters: Benign (1). 1 of the submissions does not count toward it. Last evaluated 2025-11-14.

Conditions:
DLC1-related disorder. Also called: DLC1-related condition.

Allele frequency attached by ClinVar (database versions not stated): 1000 Genomes Project 30x 0.00219; 1000 Genomes Project 0.00240.
gnomAD v4.1: 967 of 1,612,546 alleles (0.06%); highest among the groups gnomAD compares: South Asian, 1%; 15 homozygotes.

Submissions (2):

Labcorp Genetics (formerly Invitae), Labcorp
Classification: Benign. Last evaluated: 2025-11-14. Review status: criteria provided, single submitter. Criteria: Invitae Variant Classification Sherloc (09022015). Collection method: clinical testing. Allele origin: germline.

PreventionGenetics, part of Exact Sciences
Classification: Benign for DLC1-related condition. Last evaluated: 2022-04-19. Review status: no assertion criteria provided. Collection method: clinical testing. Allele origin: germline. Not counted in ClinVar's aggregate classification.
Comment: This variant is classified as benign based on ACMG/AMP sequence variant interpretation guidelines (Richards et al. 2015 PMID: 25741868, with internal and published modifications).